The following is an entry in ClinVar:

NM_001001563.5(TIMM50):c.17C>A (p.Ala6Glu)

Gene: TIMM50 (translocase of inner mitochondrial membrane 50; plus strand). Cytogenetic location: 19q13.2.
Variant type: single nucleotide variant.
Coding change: c.17C>A on transcript NM_001001563.5 (MANE Select); coding-DNA position 17, C replaced by A.
Protein change: p.Ala6Glu; replaces alanine 6 with glutamic acid.
Molecular consequence: missense variant. On other transcripts: 5 prime UTR variant (1).
Genome position (GRCh38, 1-based): chr19:39,480,870, C>A. VCF-style: chr19-39480870-C-A. GRCh37 (hg19) VCF-style: chr19-39971510-C-A.
Other names: c.-264C>A (NM_001329559.2); short protein forms A6E.
Identifiers: ClinVar variation 5030860 (VCV005030860.1).

ClinVar aggregate classification (germline): Uncertain significance (1 of 4 stars; one submission).

Conditions:
Inborn genetic diseases. Identifiers: MedGen C0950123, MeSH D030342.

gnomAD v4.1: 5 of 1,599,412 alleles (0.00031%); highest among the groups gnomAD compares: East Asian, 0.0023%; no homozygotes.

Submission:

Ambry Genetics
Classification: Uncertain significance for Inborn genetic diseases. Last evaluated: 2026-07-20. Review status: criteria provided, single submitter. Criteria: Ambry Variant Classification Scheme 2023. Collection method: clinical testing. Allele origin: germline.
Comment: The c.326C>A (p.A109E) alteration is located in exon 1 (coding exon 1) of the TIMM50 gene. This alteration results from a C to A substitution at nucleotide position 326, causing the alanine (A) at amino acid position 109 to be replaced by a glutamic acid (E). Based on data from gnomAD, the A allele has an overall frequency of <0.001% (0/218490) total alleles studied. The highest observed frequency was <0.001% (/) of alleles. Based on insufficient or conflicting evidence, the clinical significance of this alteration remains unclear.